The following is an entry in ClinVar:

ClinVar aggregate classification (germline): Pathogenic (1 of 4 stars; one submission).

Submission:

GeneDx
Classification: Pathogenic. Last evaluated: 2019-01-31. Review status: criteria provided, single submitter. Criteria: GeneDx Variant Classification (06012015). Collection method: clinical testing. Allele origin: germline. Affected: yes.
Comment: The E464X nonsense variant in the DDX3X gene is predicted to cause loss of normal protein function either through protein truncation or nonsense-mediated mRNA decay. The E464X variant is not observed in large population cohorts (Lek et al., 2016).

NM_001356.5(DDX3X):c.1390G>T (p.Glu464Ter)

Gene: DDX3X (DEAD-box helicase 3 X-linked; plus strand). Cytogenetic location: Xp11.4.
Variant type: single nucleotide variant.
Coding change: c.1390G>T on transcript NM_001356.5 (MANE Select); coding-DNA position 1390, G replaced by T.
Protein change: p.Glu464Ter; replaces glutamic acid 464 with a stop codon.
Molecular consequence: nonsense. On other transcripts: non-coding transcript variant (1).
Genome position (GRCh38, 1-based): chrX:41,346,303, G>T. VCF-style: chrX-41346303-G-T. GRCh37 (hg19) VCF-style: chrX-41205556-G-T.
Other names: c.1390G>T, p.Glu464Ter (NM_001193416.3); c.1342G>T, p.Glu448Ter (NM_001193417.3); c.832G>T, p.Glu278Ter (NM_001363819.1); short protein forms E448*, E278*, E464*.
Identifiers: ClinVar variation 816965 (VCV000816965.1), dbSNP rs1602135779, ClinGen allele CA412774825.